The following is an entry in ClinVar:

NM_001267550.2(TTN):c.80C>T (p.Ala27Val)

Gene: TTN (titin; minus strand). Cytogenetic location: 2q31.2.
Variant type: single nucleotide variant.
Coding change: c.80C>T on transcript NM_001267550.2 (MANE Select); coding-DNA position 80, C replaced by T.
Protein change: p.Ala27Val; replaces alanine 27 with valine.
Molecular consequence: missense variant.
Genome position (GRCh38, 1-based): chr2:178,804,563, G>A on the plus strand (C>T on the coding strand, the complement: TTN is on the minus strand). VCF-style: chr2-178804563-G-A. GRCh37 (hg19) VCF-style: chr2-179669290-G-A.
Other names: c.80C>T, p.Ala27Val (NM_001256850.1, NM_003319.4, NM_133378.4 and 3 more transcripts); short protein forms A27V.
Identifiers: ClinVar variation 3902924 (VCV003902924.1).

ClinVar aggregate classification (germline): Uncertain significance (1 of 4 stars; one submission).

gnomAD v4.1: 7 of 1,613,852 alleles (0.00043%); highest among the groups gnomAD compares: Admixed American, 0.0067%; no homozygotes.

Submission:

GeneDx
Classification: Uncertain significance. Last evaluated: 2024-12-10. Review status: criteria provided, single submitter. Criteria: GeneDx Variant Classification Process June 2021. Collection method: clinical testing. Allele origin: germline. Affected: yes.
Comment: Not observed at significant frequency in large population cohorts (gnomAD); Missense variant in a gene in which most reported pathogenic variants are truncating/loss of function; Has not been previously published as pathogenic or benign to our knowledge